The following is an entry in ClinVar:

NM_032409.3(PINK1):c.1474C>T (p.Arg492Ter)

Genes: PINK1 (PTEN induced kinase 1; plus strand), PINK1-AS (PINK1 antisense RNA; minus strand). Cytogenetic location: 1p36.12.
Variant type: single nucleotide variant.
Coding change: c.1474C>T on transcript NM_032409.3 (MANE Select); coding-DNA position 1474, C replaced by T.
Protein change: p.Arg492Ter; replaces arginine 492 with a stop codon.
Molecular consequence: nonsense. On other transcripts: non-coding transcript variant (1).
Genome position (GRCh38, 1-based): chr1:20,649,217, C>T. VCF-style: chr1-20649217-C-T. GRCh37 (hg19) VCF-style: chr1-20975710-C-T.
Other names: short protein forms R492*.
Identifiers: ClinVar variation 431963 (VCV000431963.31), dbSNP rs34208370, ClinGen allele CA660831.

ClinVar aggregate classification (germline): Pathogenic. Review status: criteria provided, multiple submitters, no conflicts (2 of 4 stars). 13 submissions from 13 submitters: Pathogenic (11). 2 of the submissions do not count toward it. Last evaluated 2025-12-01.

Conditions:
Autosomal recessive early-onset Parkinson disease 6 (PARK6). Also called: PINK1-Related Parkinson Disease; PARKINSON DISEASE 6, EARLY-ONSET; PINK1 Type of Young-Onset Parkinson Disease; PARKINSON DISEASE 6, MODIFIER OF. Identifiers: Orphanet 2828, MedGen C1853833, MONDO:0011613, OMIM 605909.
PINK1-related disorder. Also called: PINK1-related condition.

Allele frequency attached by ClinVar (database versions not stated): ExAC 0.00003; gnomAD 0.00004 and 0.00005; TOPMed 0.00004; gnomAD exomes 0.00007 and 0.00008; ESP Exome Variant Server 0.00008; 1000 Genomes Project 30x 0.00016; 1000 Genomes Project 0.00020.
gnomAD v4.1: 101 of 1,614,054 alleles (0.0063%); highest among the groups gnomAD compares: East Asian, 0.031%; no homozygotes.

Submissions (14):

CeGaT Center for Human Genetics Tuebingen
Classification: Pathogenic. Last evaluated: 2025-12-01. Review status: criteria provided, single submitter. Criteria: CeGaT Center For Human Genetics Tuebingen Variant Classification Criteria Version 2. Collection method: clinical testing. Allele origin: germline. Affected: yes. Observed: 1 variant allele.
Comment: PINK1: PM3:Strong, PVS1:Strong, PM2

Variantyx, Inc.
Classification: Pathogenic for Autosomal recessive early-onset Parkinson disease 6. Last evaluated: 2025-08-05. Review status: criteria provided, single submitter. Criteria: Variantyx Assertion Criteria 2022. Collection method: clinical testing. Allele origin: germline. Inheritance: Autosomal recessive inheritance.
Comment: This is a nonsense variant in the PINK1 gene (OMIM: 608309). Pathogenic variants in this gene have been associated with autosomal recessive Parkinson disease 6. This variant introduces a premature termination codon in exon 7 out of 8. It is expected to result in loss of function, which is a known disease mechanism for PINK1 in this disorder (PMID: 15087508, 15349870) (PVS1). This variant has been identified in the homozygous or compound heterozygous state in at least 5 individual(s) reported in the published literature (PMID: 15349870, 28862745, 17960343, 37198191, 35861376) (PM3). This variant has a 0.0312% maximum allele frequency in non-founder control populations (PM2). Based on the current evidence, this variant is classified as pathogenic for autosomal recessive Parkinson disease 6.

PreventionGenetics, part of Exact Sciences
Classification: Pathogenic for PINK1-related condition. Last evaluated: 2025-08-01. Review status: criteria provided, single submitter. Criteria: ACMG Guidelines, 2015. Collection method: clinical testing. Allele origin: germline.
Comment: The PINK1 c.1474C>T variant is predicted to result in premature protein termination (p.Arg492*). This variant has been reported in the compound heterozygous state or homozygous state in multiple individuals with early-onset Parkinson disease (Hatano et al. 2004. PubMed ID: 15349870; Weng et al. 2007. PubMed ID: 17960343; Guo et al. 2008. PubMed ID: 18785233; Lesage et al. 2020. PubMed ID: 33045815). This variant is reported in 0.055% of alleles in individuals of East Asian descent in gnomAD. Nonsense variants in PINK1 are expected to be pathogenic. This variant is interpreted as pathogenic.

Genomic Medicine Center of Excellence, King Faisal Specialist Hospital and Research Centre
Classification: Pathogenic for Autosomal recessive early-onset Parkinson disease 6. Last evaluated: 2024-04-04. Review status: criteria provided, single submitter. Criteria: ACMG Guidelines, 2015. Collection method: clinical testing. Allele origin: germline.

Blueprint Genetics
Classification: Pathogenic for PINK1-related disorders. Last evaluated: 2023-12-08. Review status: criteria provided, single submitter. Criteria: ACMG Guidelines, 2015. Collection method: clinical testing. Allele origin: germline. Affected: yes. Observed: 3 variant alleles.

Labcorp Genetics (formerly Invitae), Labcorp
Classification: Pathogenic for Autosomal recessive early-onset Parkinson disease 6. Last evaluated: 2023-10-03. Review status: criteria provided, single submitter. Criteria: Invitae Variant Classification Sherloc (09022015). Collection method: clinical testing. Allele origin: germline.
Comment: This sequence change creates a premature translational stop signal (p.Arg492*) in the PINK1 gene. While this is not anticipated to result in nonsense mediated decay, it is expected to disrupt the last 90 amino acid(s) of the PINK1 protein. The frequency data for this variant in the population databases is considered unreliable, as metrics indicate poor data quality at this position in the gnomAD database. This premature translational stop signal has been observed in individuals with early onset Parkinson's disease (EOPD) (PMID: 15349870, 17960343, 18785233). It has also been observed to segregate with disease in related individuals. ClinVar contains an entry for this variant (Variation ID: 431963). Algorithms developed to predict the effect of variants on protein structure and function are not available or were not evaluated for this variant. Experimental studies have shown that this premature translational stop signal affects PINK1 function (PMID: 20547144, 29255601). For these reasons, this variant has been classified as Pathogenic.

GeneDx
Classification: Pathogenic. Last evaluated: 2022-05-03. Review status: criteria provided, single submitter. Criteria: GeneDx Variant Classification Process June 2021. Collection method: clinical testing. Allele origin: germline. Affected: yes.
Comment: Published functional studies demonstrate a damaging effect: decreased kinase activity and aberrant Parkin subcellular localization (Guo et al., 2017); Nonsense variant in the C-terminus predicted to result in protein truncation, as the last 90 amino acids are lost, and other loss-of-function variants have been reported downstream in HGMD; This variant is associated with the following publications: (PMID: 25525159, 15955953, 15349870, 29431110, 20547144, 24513209, 16401616, 17960343, 27094865, 18973254, 28862745, 33045815, 33491134, 18785233, 29255601)

Fulgent Genetics
Classification: Pathogenic for Autosomal recessive early-onset Parkinson disease 6. Last evaluated: 2022-02-09. Review status: criteria provided, single submitter. Criteria: ACMG Guidelines, 2015. Collection method: clinical testing. Allele origin: unknown.

CENTOGENE GmbH and LLC - Guiding Precision Medicine
Classification: Pathogenic for Autosomal recessive early-onset Parkinson disease 6. Last evaluated: 2021-06-01. Review status: criteria provided, single submitter. Criteria: ACMG Guidelines, 2015. Collection method: clinical testing. Allele origin: germline. Affected: no.

Baylor Genetics
Classification: Pathogenic for Autosomal recessive early-onset Parkinson disease 6. Last evaluated: 2019-11-04. Review status: criteria provided, single submitter. Criteria: ACMG Guidelines, 2015. Collection method: clinical testing. Allele origin: unknown. Affected: yes.
Comment: This variant was determined to be pathogenic according to ACMG Guidelines, 2015 [PMID:25741868].

Juno Genomics, Hangzhou Juno Genomics, Inc
Classification: Pathogenic for Autosomal recessive early-onset Parkinson disease 6. Review status: criteria provided, single submitter. Criteria: ACMG Guidelines, 2015. Collection method: clinical testing. Allele origin: germline.
Comment: Absent from controls (or at extremely low frequency if recessive) in Genome Aggregation Database.;Null variant in a gene where loss of function (LOF) is a known mechanism of disease.;For recessive disorders, detected in trans with a pathogenic variant.;Patient's phenotype or family history is highly specific for a disease with a single genetic etiology.

Clinical Genetics DNA and cytogenetics Diagnostics Lab, Erasmus MC, Erasmus Medical Center
Classification: Pathogenic. Review status: no assertion criteria provided. Collection method: clinical testing. Allele origin: germline. Affected: yes. Study: VKGL Data-share Consensus. Not counted in ClinVar's aggregate classification.

Diagnostic Laboratory, Department of Genetics, University Medical Center Groningen
Classification: Pathogenic. Review status: no assertion criteria provided. Collection method: clinical testing. Allele origin: germline. Affected: yes. Study: VKGL Data-share Consensus. Not counted in ClinVar's aggregate classification.

Dr. Peter K. Rogan Lab, Western University
No classification provided (evidence only). Condition: Thymoma. Review status: no classification provided. Collection method: in vitro. Allele origin: not applicable. Functional consequence: retained intron. Not counted in ClinVar's aggregate classification.

Literature cited by the submitters: PubMed 15349870 (cited by Variantyx, Inc. and Labcorp Genetics (formerly Invitae), Labcorp); PubMed 28862745 (cited by Variantyx, Inc.); PubMed 17960343 (cited by Variantyx, Inc. and Labcorp Genetics (formerly Invitae), Labcorp); PubMed 37198191 (cited by Variantyx, Inc.); PubMed 35861376 (cited by Variantyx, Inc.); PubMed 18785233 (cited by Labcorp Genetics (formerly Invitae), Labcorp); PubMed 20547144 (cited by Labcorp Genetics (formerly Invitae), Labcorp); PubMed 29255601 (cited by Labcorp Genetics (formerly Invitae), Labcorp).